The following is an entry in ClinVar:

ClinVar aggregate classification (germline): Likely pathogenic (1 of 4 stars; one submission).

Conditions:
OBSL1-related disorder. Also called: OBSL1-related condition.

Submission:

PreventionGenetics, part of Exact Sciences
Classification: Likely pathogenic for OBSL1-related condition. Last evaluated: 2023-01-03. Review status: criteria provided, single submitter. Criteria: ACMG Guidelines, 2015. Collection method: clinical testing. Allele origin: germline.
Comment: The OBSL1 c.149_162dup14 variant is predicted to result in a frameshift and premature protein termination (p.Glu56Serfs*8). To our knowledge, this variant has not been reported in the literature or in a large population database, indicating this variant is rare. Frameshift variants in OBSL1 are expected to be pathogenic. This variant is interpreted as likely pathogenic.

NM_015311.3(OBSL1):c.149_162dup (p.Glu56fs)

Gene: OBSL1 (obscurin like cytoskeletal adaptor 1; minus strand). Cytogenetic location: 2q35.
Variant type: Duplication.
Coding change: c.149_162dup on transcript NM_015311.3 (MANE Select); coding-DNA positions 149 to 162, 14 bases duplicated (AGCAGCTGGCGGCC).
Protein change: p.Glu56fs; shifts the reading frame from glutamic acid 56.
Molecular consequence: frameshift variant.
Genome position (GRCh38, 1-based): chr2:219,571,071-219,571,084, GGCCGCCAGCTGCT duplicated on the plus strand (AGCAGCTGGCGGCC on the coding strand, the reverse complement: OBSL1 is on the minus strand); duplicating any 14 consecutive bases within chr2:219,571,071-219,571,085 gives the same sequence; the c. name uses the placement nearest the transcript's 3' end. VCF-style (leftmost placement, unchanged base first): chr2-219571070-A-AGGCCGCCAGCTGCT. GRCh37 (hg19) VCF-style: chr2-220435792-A-AGGCCGCCAGCTGCT.
Other names: c.149_162dup, p.Glu56fs (NM_001173408.2, NM_001173431.2); short protein forms E56fs.
Identifiers: ClinVar variation 2629695 (VCV002629695.1), dbSNP rs2469105576, ClinGen allele CA2577255330.
Genomic context (GRCh38, chr2:219,571,070, plus strand): 5'-GTGCGGCGGTCAGCAGCAGGCCGTGCTCCGCGCCGTCCGCCGGGAAGCTCAGGCGTTCCG[A>AGGCCGCCAGCTGCT]GGCCGCCAGCTGCTGCCCGCCCTTCTCCCACACCACTACAGGCGGCGGCTCCCCCAGGAC-3'